The following is an entry in ClinVar:

NM_033118.4(MYLK2):c.1688A>G (p.Tyr563Cys)

Gene: MYLK2 (myosin light chain kinase 2; plus strand). Cytogenetic location: 20q11.21.
Variant type: single nucleotide variant.
Coding change: c.1688A>G on transcript NM_033118.4 (MANE Select); coding-DNA position 1688, A replaced by G.
Protein change: p.Tyr563Cys; replaces tyrosine 563 with cysteine.
Molecular consequence: missense variant.
Genome position (GRCh38, 1-based): chr20:31,832,114, A>G. VCF-style: chr20-31832114-A-G. GRCh37 (hg19) VCF-style: chr20-30419917-A-G.
Other names: short protein forms Y563C.
Identifiers: ClinVar variation 5006366 (VCV005006366.2).

ClinVar aggregate classification (germline): Uncertain significance (1 of 4 stars; one submission).

Conditions:
Hypertrophic cardiomyopathy 1 (CMH1). Also called: Familial hypertrophic cardiomyopathy 1; MYH7-Related Familial Hypertrophic Cardiomyopathy. Identifiers: MedGen C3495498, MONDO:0008647, OMIM 192600.

Submission:

Juno Genomics, Hangzhou Juno Genomics, Inc
Classification: Uncertain significance for Hypertrophic cardiomyopathy 1. Review status: criteria provided, single submitter. Criteria: ACMG Guidelines, 2015. Collection method: clinical testing. Allele origin: germline.
Comment: Absent from controls (or at extremely low frequency if recessive) in Genome Aggregation Database.;Multiple lines of computational evidence support a deleterious effect on the gene or gene product.